The following is an entry in ClinVar:

NM_172107.4(KCNQ2):c.1621A>G (p.Arg541Gly)

Gene: KCNQ2 (potassium voltage-gated channel subfamily Q member 2; minus strand). Cytogenetic location: 20q13.33.
Variant type: single nucleotide variant.
Coding change: c.1621A>G on transcript NM_172107.4 (MANE Select); coding-DNA position 1621, A replaced by G.
Protein change: p.Arg541Gly; replaces arginine 541 with glycine.
Molecular consequence: missense variant.
Genome position (GRCh38, 1-based): chr20:63,414,098, T>C on the plus strand (A>G on the coding strand, the complement: KCNQ2 is on the minus strand). VCF-style: chr20-63414098-T-C. GRCh37 (hg19) VCF-style: chr20-62045451-T-C.
Other names: c.1537A>G, p.Arg513Gly (NM_004518.6); c.1567A>G, p.Arg523Gly (NM_172106.3); c.1528A>G, p.Arg510Gly (NM_172108.5); short protein forms R541G, R513G, R523G, R510G.
Identifiers: ClinVar variation 369800 (VCV000369800.5), dbSNP rs1555853971, ClinGen allele CA10654786.

ClinVar aggregate classification (germline): Pathogenic. Review status: criteria provided, single submitter (1 of 4 stars). 2 submissions from 2 submitters: Pathogenic (1). 1 of the submissions does not count toward it. Last evaluated 2023-07-09.

Conditions:
Early-infantile DEE. Also called: Early infantile epileptic encephalopathy; Ohtahara syndrome; Early infantile epileptic encephalopathy with suppression bursts. Identifiers: Orphanet 1934, MedGen C0393706, MONDO:0800491.
Developmental and epileptic encephalopathy, 7 (DEE7). Also called: KCNQ2-Related Neonatal Epileptic Encephalopathy; Early infantile epileptic encephalopathy 7; KCNQ2-Related Neonatal-Onset Developmental and Epileptic Encephalopathy (NEO-DEE). Identifiers: Orphanet 439218, MedGen C3150986, MONDO:0013387, OMIM 613720.

Submissions (2):

Labcorp Genetics (formerly Invitae), Labcorp
Classification: Pathogenic for Early-infantile DEE. Last evaluated: 2023-07-09. Review status: criteria provided, single submitter. Criteria: Invitae Variant Classification Sherloc (09022015). Collection method: clinical testing. Allele origin: germline.
Comment: This variant is not present in population databases (gnomAD no frequency). For these reasons, this variant has been classified as Pathogenic. Advanced modeling of protein sequence and biophysical properties (such as structural, functional, and spatial information, amino acid conservation, physicochemical variation, residue mobility, and thermodynamic stability) performed at Invitae indicates that this missense variant is expected to disrupt KCNQ2 protein function. ClinVar contains an entry for this variant (Variation ID: 369800). This missense change has been observed in individual(s) with early onset epileptic encephalopathy (PMID: 25959266). In at least one individual the variant was observed to be de novo. This sequence change replaces arginine, which is basic and polar, with glycine, which is neutral and non-polar, at codon 541 of the KCNQ2 protein (p.Arg541Gly).

GeneReviews
No classification provided. Condition: Developmental and epileptic encephalopathy, 7. Review status: no classification provided. Collection method: literature only. Allele origin: germline. Affected: yes. Not counted in ClinVar's aggregate classification.
Comment: Uncertain severity

Functional effect: Part of a consensus sequence for protein kinase C phosphorylation, no functional effect seen if the site was eliminated by mutagenesis (S539A)

Literature cited by the submitters: PubMed 25959266 (cited by Labcorp Genetics (formerly Invitae), Labcorp and GeneReviews); PubMed 12754513 (cited by GeneReviews); NCBI Bookshelf NBK32534 (cited by GeneReviews).